The following is an entry in ClinVar:

ClinVar aggregate classification (germline): Likely benign (1 of 4 stars; one submission).

Conditions:
Amyotrophic lateral sclerosis type 6. Also called: FUS-Related Amyotrophic Laterial Sclerosis; AMYOTROPHIC LATERAL SCLEROSIS 6 WITHOUT FRONTOTEMPORAL DEMENTIA; Amyotrophic lateral sclerosis 6, with or without frontotemporal dementia. Identifiers: Orphanet 275872, Orphanet 803, MedGen C2931786, MONDO:0011951, OMIM 608030.

Allele frequency attached by ClinVar (database versions not stated): gnomAD 0.00001; TOPMed 0.00001; gnomAD exomes 0.00002 and 0.00003; ExAC 0.00028.
gnomAD v4.1: 10 of 525,674 alleles (0.0019%); highest among the groups gnomAD compares: South Asian, 0.0031%; no homozygotes.

Submission:

Illumina Laboratory Services, Illumina
Classification: Likely benign for Amyotrophic lateral sclerosis type 6. Last evaluated: 2018-01-12. Review status: criteria provided, single submitter. Criteria: ICSL Variant Classification Criteria 13 December 2019. Collection method: clinical testing. Allele origin: germline.
Comment: This variant was observed in the ICSL laboratory as part of a predisposition screen in an ostensibly healthy population. It had not been previously curated by ICSL or reported in the Human Gene Mutation Database (HGMD: prior to June 1st, 2018), and was therefore a candidate for classification through an automated scoring system. Utilizing variant allele frequency, disease prevalence and penetrance estimates, and inheritance mode, an automated score was calculated to assess if this variant is too frequent to cause the disease. Based on the score and internal cut-off values, a variant classified as likely benign is not then subjected to further curation. The score for this variant resulted in a classification of likely benign for this disease.

NM_004960.3(FUS):c.*2348G>A

Gene: FUS (FUS DNA/RNA binding protein; plus strand). Cytogenetic location: 16p11.2.
Variant type: single nucleotide variant.
Coding change: c.*2348G>A on transcript NM_004960.3; 2348 bases downstream of the stop codon, G replaced by A.
Molecular consequence: 3 prime UTR variant (on NM_001170634.1). On other transcripts: non-coding transcript variant (1).
Genome position (GRCh38, 1-based): chr16:31,193,786, G>A. VCF-style: chr16-31193786-G-A. GRCh37 (hg19) VCF-style: chr16-31205107-G-A.
Other names: c.*2348G>A (NM_001170634.1, NM_001170937.1).
Identifiers: ClinVar variation 319037 (VCV000319037.7), dbSNP rs775218493, ClinGen allele CA8024310.
Genomic context (GRCh38, chr16:31,193,786, plus strand): 5'-CCTCTCAAGCCAACCTCCCACCTCAGCCTCCCAAGTAGCTGGGACTACAGGTGCTTCCTC[G>A]CTACCACACCTGGGTAATTTTTTTTTTAATTACTTTTTTTTTTTTAAGAAACAGGGTTTC-3'